The following is an entry in ClinVar:

ClinVar aggregate classification (germline): Uncertain significance (1 of 4 stars; one submission).

Conditions:
Neuronal ceroid lipofuscinosis. Also called: Neuronal Ceroid Lipofuscinoses. Identifiers: Orphanet 216, Orphanet 79263, MedGen C0027877, MONDO:0016295. Disease mechanism: loss of function.

Allele frequency attached by ClinVar (database versions not stated): gnomAD exomes below 0.00001; gnomAD 0.00001.
gnomAD v4.1: 4 of 1,613,704 alleles (0.00025%); highest among the groups gnomAD compares: African/African-American, 0.0013%; no homozygotes.

Submission:

Labcorp Genetics (formerly Invitae), Labcorp
Classification: Uncertain significance for Neuronal ceroid lipofuscinosis. Last evaluated: 2020-10-24. Review status: criteria provided, single submitter. Criteria: Invitae Variant Classification Sherloc (09022015). Collection method: clinical testing. Allele origin: germline.
Comment: This variant is not present in population databases (ExAC no frequency). This sequence change replaces aspartic acid with histidine at codon 3 of the DNAJC5 protein (p.Asp3His). The aspartic acid residue is moderately conserved and there is a moderate physicochemical difference between aspartic acid and histidine. In summary, the available evidence is currently insufficient to determine the role of this variant in disease. Therefore, it has been classified as a Variant of Uncertain Significance. This variant has not been reported in the literature in individuals with DNAJC5-related conditions. Algorithms developed to predict the effect of missense changes on protein structure and function (SIFT, PolyPhen-2, Align-GVGD) all suggest that this variant is likely to be tolerated, but these predictions have not been confirmed by published functional studies and their clinical significance is uncertain.

NM_025219.3(DNAJC5):c.7G>C (p.Asp3His)

Gene: DNAJC5 (DnaJ heat shock protein family (Hsp40) member C5; plus strand). Cytogenetic location: 20q13.33.
Variant type: single nucleotide variant.
Coding change: c.7G>C on transcript NM_025219.3 (MANE Select); coding-DNA position 7, G replaced by C.
Protein change: p.Asp3His; replaces aspartic acid 3 with histidine.
Molecular consequence: missense variant.
Genome position (GRCh38, 1-based): chr20:63,928,352, G>C. VCF-style: chr20-63928352-G-C. GRCh37 (hg19) VCF-style: chr20-62559705-G-C.
Other names: short protein forms D3H.
Identifiers: ClinVar variation 1054764 (VCV001054764.9), dbSNP rs887921248, ClinGen allele CA317518712.
Genomic context (GRCh38, chr20:63,928,352, plus strand): 5'-TCATCTATACTTTGTGATACTTTCTTTTTATTTTTTCTTCTAGAATAGCCTAACATGGCA[G>C]ACCAGAGACAGCGCTCACTGTCTACCTCTGGGGAGTCATTGTACCACGTCCTTGGGTTGG-3'
Protein context (NP_079495.1, residues 1-13): MA[Asp3His]QRQRSLSTSG